The following is an entry in ClinVar:

ClinVar aggregate classification (germline): Benign/Likely benign. Review status: criteria provided, multiple submitters, no conflicts (2 of 4 stars). 6 submissions from 6 submitters: Benign (4); Likely benign (2). Last evaluated 2025-06-19.

Conditions:
Dehydrated hereditary stomatocytosis with or without pseudohyperkalemia and/or perinatal edema (DHS1). Also called: PSEUDOHYPERKALEMIA EDINBURGH; DEHYDRATED HEREDITARY STOMATOCYTOSIS AND PSEUDOHYPERKALEMIA; DEHYDRATED HEREDITARY STOMATOCYTOSIS WITH PSEUDOHYPERKALEMIA AND PERINATAL EDEMA; Pseudohyperkalemia, familial, 1, due to red cell leak; Dehydrated hereditary stomatocytosis 1 with or without pseudohyperkalemia and/or perinatal edema. Identifiers: Orphanet 3202, MedGen C4551512, MONDO:0008689, OMIM 194380.
Lymphatic malformation 6 (LMPHM6). Also called: PIEZO1-related generalized lymphatic dysplasia with non-immune hydrops fetalis; GENERALIZED LYMPHATIC DYSPLASIA OF FOTIOU; Lymphedema, hereditary, III. Identifiers: Orphanet 568062, MedGen C4225184, MONDO:0014797, OMIM 616843.

Allele frequency attached by ClinVar (database versions not stated): gnomAD exomes 0.00487; 1000 Genomes Project 0.01657; TOPMed 0.01903; ESP Exome Variant Server 0.02022; gnomAD 0.01676 and 0.01802; 1000 Genomes Project 30x 0.01733; ExAC 0.00876.

Submissions (6):

ARUP Laboratories, Molecular Genetics and Genomics, ARUP Laboratories
Classification: Benign. Last evaluated: 2025-06-19. Review status: criteria provided, single submitter. Criteria: ARUP Molecular Germline Variant Investigation Process 2024. Collection method: clinical testing. Allele origin: germline.

Mayo Clinic Laboratories, Mayo Clinic
Classification: Likely benign. Last evaluated: 2025-04-21. Review status: criteria provided, single submitter. Criteria: ACMG Guidelines, 2015. Collection method: clinical testing. Allele origin: germline. Observed: 65 variant alleles.
Comment: BS1, BS2

Fulgent Genetics
Classification: Likely benign for Dehydrated hereditary stomatocytosis with or without pseudohyperkalemia and/or perinatal edema; Lymphatic malformation 6. Last evaluated: 2021-09-27. Review status: criteria provided, single submitter. Criteria: ACMG Guidelines, 2015. Collection method: clinical testing. Allele origin: unknown.

Labcorp Genetics (formerly Invitae), Labcorp
Classification: Benign. Last evaluated: 2019-12-31. Review status: criteria provided, single submitter. Criteria: Invitae Variant Classification Sherloc (09022015). Collection method: clinical testing. Allele origin: germline.

GeneDx
Classification: Benign. Last evaluated: 2018-10-21. Review status: criteria provided, single submitter. Criteria: GeneDx Variant Classification Process June 2021. Collection method: clinical testing. Allele origin: germline. Affected: yes.

Breakthrough Genomics
Classification: Benign. Review status: criteria provided, single submitter. Criteria: ACMG Guidelines, 2015. Collection method: not provided. Allele origin: germline. Inheritance: Autosomal recessive inheritance. Affected: yes.

NM_001142864.4(PIEZO1):c.3129C>T (p.Leu1043=)

Genes: HSALR1 (HSP90AB1 associated lncRNA 1; plus strand), PIEZO1 (piezo type mechanosensitive ion channel component 1 (Er blood group); minus strand). Cytogenetic location: 16q24.3.
Variant type: single nucleotide variant.
Coding change: c.3129C>T on transcript NM_001142864.4 (MANE Select); coding-DNA position 3129, C replaced by T.
Protein change: p.Leu1043=; no amino-acid change (leucine 1043 retained).
Molecular consequence: synonymous variant.
Genome position (GRCh38, 1-based): chr16:88,731,773, G>A on the plus strand (C>T on the coding strand, the complement: PIEZO1 is on the minus strand). VCF-style: chr16-88731773-G-A. GRCh37 (hg19) VCF-style: chr16-88798181-G-A.
Other names: p.Leu1043=; c.3129C>T, p.Leu1043= (LRG_1137t1).
Identifiers: ClinVar variation 618788 (VCV000618788.25), dbSNP rs61742732, ClinGen allele CA8232562.